The following is an entry in ClinVar:

ClinVar aggregate classification (germline): Pathogenic (3 of 4 stars; one submission).

Conditions:
Breast-ovarian cancer, familial, susceptibility to, 1 (BROVCA1). Also called: BRCA1 Hereditary Breast and Ovarian Cancer; OVARIAN CANCER, SUSCEPTIBILITY TO. Identifiers: Orphanet 145, MedGen C2676676, MONDO:0011450, OMIM 604370. Disease mechanism: loss of function.

Submission:

Evidence-based Network for the Interpretation of Germline Mutant Alleles (ENIGMA)
Classification: Pathogenic for Breast-ovarian cancer, familial, susceptibility to, 1. Last evaluated: 2017-12-15. Review status: reviewed by expert panel. Criteria: ENIGMA BRCA1/2 Classification Criteria (2017-06-29). Collection method: curation. Allele origin: germline. Study: ENIGMA.
Comment: Variant allele predicted to encode a truncated non-functional protein.

NM_007294.4(BRCA1):c.2690_2691dup (p.Lys898fs)

Gene: BRCA1 (BRCA1 DNA repair associated; minus strand). Cytogenetic location: 17q21.31.
Variant type: Duplication.
Coding change: c.2690_2691dup on transcript NM_007294.4 (MANE Select); coding-DNA positions 2690 to 2691, 2 bases duplicated (CA; older notation c.2690_2691dupCA).
Protein change: p.Lys898fs; shifts the reading frame from lysine 898.
Molecular consequence: frameshift variant. On other transcripts: intron variant (137).
Genome position (GRCh38, 1-based): chr17:43,092,840-43,092,841, TG duplicated on the plus strand (CA on the coding strand, the reverse complement: BRCA1 is on the minus strand). VCF-style (leftmost placement, unchanged base first): chr17-43092839-T-TTG. GRCh37 (hg19) VCF-style: chr17-41244856-T-TTG.
Other names: c.2690_2691dupCA (NM_007294.3); c.2564_2565dup, p.Lys856fs (NM_001407940.1, NM_001407941.1, NM_001407649.1 and 11 more transcripts); c.2549_2550dup, p.Lys851fs (NM_001407942.1, NM_001407944.1, NM_001407945.1 and 29 more transcripts); c.2546_2547dup, p.Lys850fs (NM_001407943.1, NM_001407964.1, NM_001407740.1 and 20 more transcripts); c.2357_2358dup, p.Lys787fs (NM_001407946.1, NM_001407947.1, NM_001407948.1 and 6 more transcripts); c.2354_2355dup, p.Lys786fs (NM_001407954.1, NM_001407955.1, NM_001407956.1 and 1 more transcripts); c.2309_2310dup, p.Lys771fs (NM_001407959.1, NM_001407960.1, NM_001407963.1); c.2306_2307dup, p.Lys770fs (NM_001407962.1); and 42 more; short protein forms K898fs, K851fs, K787fs, K809fs, K810fs, K850fs, K871fs, K602fs.
Identifiers: ClinVar variation 548268 (VCV000548268.2), dbSNP rs1555589128, ClinGen allele CA658823993.
Genomic context (GRCh38, chr17:43,092,839, plus strand): 5'-TGATATTAGACTCATTCTTTCCTTGATTTTCTTCCTTTTGTTCACATTCAAAAGTGACTT[T>TTG]TGGACTTTGTTTCTTTAAGGACCCAGAGTGGGCAGAGAATGTTGCACATTCCTCTTCTGC-3'